The following is an entry in ClinVar:

ClinVar aggregate classification (germline): Uncertain significance. Review status: criteria provided, multiple submitters, no conflicts (2 of 4 stars). 2 submissions from 2 submitters: Uncertain significance (2). Last evaluated 2025-01-29.

Conditions:
Cardiovascular phenotype. Identifiers: MedGen CN230736.
Legius syndrome. Identifiers: Orphanet 137605, MedGen C1969623, MONDO:0012669, OMIM 611431. Disease mechanism: loss of function.

Allele frequency attached by ClinVar (database versions not stated): gnomAD exomes below 0.00001; ExAC 0.00001.
gnomAD v4.1: 2 of 1,612,774 alleles (0.00012%); highest among the groups gnomAD compares: Non-Finnish European, 0.00017%; no homozygotes.

Submissions (2):

Ambry Genetics
Classification: Uncertain significance for Cardiovascular phenotype. Last evaluated: 2025-01-29. Review status: criteria provided, single submitter. Criteria: Ambry Variant Classification Scheme 2023. Collection method: clinical testing. Allele origin: germline.
Comment: The p.Q205R variant (also known as c.614A>G), located in coding exon 6 of the SPRED1 gene, results from an A to G substitution at nucleotide position 614. The glutamine at codon 205 is replaced by arginine, an amino acid with highly similar properties. This amino acid position is conserved. In addition, this alteration is predicted to be tolerated by in silico analysis. Based on the available evidence, the clinical significance of this variant remains unclear.

Labcorp Genetics (formerly Invitae), Labcorp
Classification: Uncertain significance for Legius syndrome. Last evaluated: 2020-12-01. Review status: criteria provided, single submitter. Criteria: Invitae Variant Classification Sherloc (09022015). Collection method: clinical testing. Allele origin: germline.
Comment: This sequence change replaces glutamine with arginine at codon 205 of the SPRED1 protein (p.Gln205Arg). The glutamine residue is moderately conserved and there is a small physicochemical difference between glutamine and arginine. In summary, the available evidence is currently insufficient to determine the role of this variant in disease. Therefore, it has been classified as a Variant of Uncertain Significance. Algorithms developed to predict the effect of missense changes on protein structure and function (SIFT, PolyPhen-2, Align-GVGD) all suggest that this variant is likely to be tolerated, but these predictions have not been confirmed by published functional studies and their clinical significance is uncertain. This variant has not been reported in the literature in individuals with SPRED1-related conditions. This variant is present in population databases (rs779879921, ExAC 0.002%).

NM_152594.3(SPRED1):c.614A>G (p.Gln205Arg)

Gene: SPRED1 (sprouty related EVH1 domain containing 1; plus strand). Cytogenetic location: 15q14.
Variant type: single nucleotide variant.
Coding change: c.614A>G on transcript NM_152594.3 (MANE Select); coding-DNA position 614, A replaced by G.
Protein change: p.Gln205Arg; replaces glutamine 205 with arginine.
Molecular consequence: missense variant.
Genome position (GRCh38, 1-based): chr15:38,349,453, A>G. VCF-style: chr15-38349453-A-G. GRCh37 (hg19) VCF-style: chr15-38641654-A-G.
Other names: c.614A>G (NM_152594.2); short protein forms Q205R.
Identifiers: ClinVar variation 1367753 (VCV001367753.9), dbSNP rs779879921, ClinGen allele CA7470138.